The following is an entry in ClinVar:

ClinVar aggregate classification (germline): Uncertain significance (1 of 4 stars; one submission).

Conditions:
Familial adenomatous polyposis 1 (FAP1). Also called: FAMILIAL ADENOMATOUS POLYPOSIS 1, ATTENUATED; POLYPOSIS, ADENOMATOUS INTESTINAL. Identifiers: MedGen C2713442, MONDO:0021056, OMIM 175100. Disease mechanism: loss of function.

Submission:

Labcorp Genetics (formerly Invitae), Labcorp
Classification: Uncertain significance for Familial adenomatous polyposis 1. Last evaluated: 2023-02-24. Review status: criteria provided, single submitter. Criteria: Invitae Variant Classification Sherloc (09022015). Collection method: clinical testing. Allele origin: germline.
Comment: Experimental studies and prediction algorithms are not available or were not evaluated, and the functional significance of this variant is currently unknown. This variant has not been reported in the literature in individuals affected with APC-related conditions. This variant is not present in population databases (gnomAD no frequency). This variant occurs in a non-coding region of the APC gene. It does not change the encoded amino acid sequence of the APC protein. In summary, the available evidence is currently insufficient to determine the role of this variant in disease. Therefore, it has been classified as a Variant of Uncertain Significance.

NC_000005.10:g.112707364C>T

Gene: APC (APC regulator of Wnt signaling pathway; plus strand). Cytogenetic location: 5q22.2.
Variant type: single nucleotide variant.
Genome position: GRCh38 VCF-style: chr5-112707364-C-T. GRCh37 (hg19) VCF-style: chr5-112043061-C-T.
Identifiers: ClinVar variation 1469923 (VCV001469923.6), dbSNP rs2149628192, ClinGen allele CA2573138742.